The following is an entry in ClinVar:

NM_001042492.3(NF1):c.7829T>A (p.Leu2610His)

Gene: NF1 (neurofibromin 1; plus strand). Cytogenetic location: 17q11.2.
Variant type: single nucleotide variant.
Coding change: c.7829T>A on transcript NM_001042492.3 (MANE Select); coding-DNA position 7829, T replaced by A.
Protein change: p.Leu2610His; replaces leucine 2610 with histidine.
Molecular consequence: missense variant.
Genome position (GRCh38, 1-based): chr17:31,357,050, T>A. VCF-style: chr17-31357050-T-A. GRCh37 (hg19) VCF-style: chr17-29684068-T-A.
Other names: c.7766T>A, p.Leu2589His (NM_000267.4); short protein forms L2610H, L2589H.
Identifiers: ClinVar variation 3634604 (VCV003634604.2).

ClinVar aggregate classification (germline): Uncertain significance (1 of 4 stars; one submission).

Conditions:
Neurofibromatosis, type 1 (NF1). Also called: VON RECKLINGHAUSEN DISEASE; Peripheral type neurofibromatosis; NEUROFIBROMATOSIS, TYPE I, SOMATIC; Neurofibromatosis, type I. Identifiers: Orphanet 636, MedGen C0027831, MONDO:0018975, OMIM 162200. Disease mechanism: loss of function.

Submission:

Labcorp Genetics (formerly Invitae), Labcorp
Classification: Uncertain significance for Neurofibromatosis, type 1. Last evaluated: 2024-07-28. Review status: criteria provided, single submitter. Criteria: Invitae Variant Classification Sherloc (09022015). Collection method: clinical testing. Allele origin: germline.
Comment: This sequence change replaces leucine, which is neutral and non-polar, with histidine, which is basic and polar, at codon 2589 of the NF1 protein (p.Leu2589His). This variant is not present in population databases (gnomAD no frequency). This variant has not been reported in the literature in individuals affected with NF1-related conditions. Advanced modeling of protein sequence and biophysical properties (such as structural, functional, and spatial information, amino acid conservation, physicochemical variation, residue mobility, and thermodynamic stability) performed at Invitae indicates that this missense variant is expected to disrupt NF1 protein function with a positive predictive value of 95%. In summary, the available evidence is currently insufficient to determine the role of this variant in disease. Therefore, it has been classified as a Variant of Uncertain Significance.